The following is an entry in ClinVar:

NM_001849.4(COL6A2):c.1697C>G (p.Pro566Arg)

Gene: COL6A2 (collagen type VI alpha 2 chain; plus strand). Cytogenetic location: 21q22.3.
Variant type: single nucleotide variant.
Coding change: c.1697C>G on transcript NM_001849.4 (MANE Select); coding-DNA position 1697, C replaced by G.
Protein change: p.Pro566Arg; replaces proline 566 with arginine.
Molecular consequence: missense variant.
Genome position (GRCh38, 1-based): chr21:46,124,676, C>G. VCF-style: chr21-46124676-C-G. GRCh37 (hg19) VCF-style: chr21-47544590-C-G.
Other names: c.1697C>G, p.Pro566Arg (NM_058174.3, NM_058175.3); short protein forms P566R.
Identifiers: ClinVar variation 2751741 (VCV002751741.3), dbSNP rs2517014187, ClinGen allele CA410535918.

ClinVar aggregate classification (germline): Uncertain significance (1 of 4 stars; one submission).

Conditions:
Bethlem myopathy 1A. Also called: Bethlem myopathy 1; Bethlem Muscular Dystrophy; MYOPATHY, BENIGN CONGENITAL, WITH CONTRACTURES. Identifiers: Orphanet 610, MedGen CN029274, MONDO:0024530, OMIM 158810.

Submission:

Labcorp Genetics (formerly Invitae), Labcorp
Classification: Uncertain significance for Bethlem myopathy 1A. Last evaluated: 2023-08-10. Review status: criteria provided, single submitter. Criteria: Invitae Variant Classification Sherloc (09022015). Collection method: clinical testing. Allele origin: germline.
Comment: In summary, the available evidence is currently insufficient to determine the role of this variant in disease. Therefore, it has been classified as a Variant of Uncertain Significance. Advanced modeling of protein sequence and biophysical properties (such as structural, functional, and spatial information, amino acid conservation, physicochemical variation, residue mobility, and thermodynamic stability) has been performed at Invitae for this missense variant, however the output from this modeling did not meet the statistical confidence thresholds required to predict the impact of this variant on COL6A2 protein function. This variant has not been reported in the literature in individuals affected with COL6A2-related conditions. This variant is not present in population databases (gnomAD no frequency). This sequence change replaces proline, which is neutral and non-polar, with arginine, which is basic and polar, at codon 566 of the COL6A2 protein (p.Pro566Arg).